The following is an entry in ClinVar:

NC_000014.8:g.(?_102899405)_(102901470_?)del

Gene: TECPR2 (tectonin beta-propeller repeat containing 2; plus strand). Cytogenetic location: 14q32.31.
Variant type: Deletion.
Identifiers: ClinVar variation 3244024 (VCV003244024.1).

ClinVar aggregate classification (germline): Likely pathogenic (1 of 4 stars; one submission).

Conditions:
Hereditary spastic paraplegia 49 (HSAN9). Also called: Spastic paraplegia 49, autosomal recessive; TECPR2-Related Hereditary Sensory and Autonomic Neuropathy with Intellectual Disability; NEUROPATHY, HEREDITARY SENSORY AND AUTONOMIC, TYPE IX, WITH DEVELOPMENTAL DELAY. Identifiers: Orphanet 320385, MedGen C5190860, MONDO:0014016, OMIM 615031.

Submission:

Labcorp Genetics (formerly Invitae), Labcorp
Classification: Likely pathogenic for Hereditary spastic paraplegia 49. Last evaluated: 2022-02-03. Review status: criteria provided, single submitter. Criteria: Invitae Variant Classification Sherloc (09022015). Collection method: clinical testing. Allele origin: unknown.
Comment: This variant results in the deletion of part of exon 9 (c.1417+944_2320del) of the TECPR2 gene. It is expected to disrupt RNA splicing. Variants that disrupt the donor or acceptor splice site typically lead to a loss of protein function (PMID: 16199547), and loss-of-function variants in TECPR2 are known to be pathogenic (PMID: 23176824, 25590979). In summary, the currently available evidence indicates that the variant is pathogenic, but additional data are needed to prove that conclusively. Therefore, this variant has been classified as Likely Pathogenic. This variant has not been reported in the literature in individuals affected with TECPR2-related conditions.

Literature cited by the submitters: PubMed 16199547; PubMed 23176824; PubMed 25590979.